The following is an entry in ClinVar:

NM_006910.5(RBBP6):c.320C>T (p.Ala107Val)

Gene: RBBP6 (RB binding protein 6, ubiquitin ligase; plus strand). Cytogenetic location: 16p12.1.
Variant type: single nucleotide variant.
Coding change: c.320C>T on transcript NM_006910.5 (MANE Select); coding-DNA position 320, C replaced by T.
Protein change: p.Ala107Val; replaces alanine 107 with valine.
Molecular consequence: missense variant.
Genome position (GRCh38, 1-based): chr16:24,553,529, C>T. VCF-style: chr16-24553529-C-T. GRCh37 (hg19) VCF-style: chr16-24564850-C-T.
Other names: c.320C>T, p.Ala107Val (NM_018703.4); short protein forms A107V.
Identifiers: ClinVar variation 4082502 (VCV004082502.2).

ClinVar aggregate classification (germline): Uncertain significance (1 of 4 stars; one submission).

gnomAD v4.1: 30 of 1,609,476 alleles (0.0019%); highest among the groups gnomAD compares: African/African-American, 0.004%; no homozygotes.

Submission:

Genetic Services Laboratory, University of Chicago
Classification: Uncertain significance. Last evaluated: 2023-11-09. Review status: criteria provided, single submitter. Criteria: ACMG Guidelines, 2015. Collection method: clinical testing. Allele origin: germline. Affected: no.
Comment: DNA sequence analysis of the RBBP6 gene demonstrated a sequence change, c.320C>T, in exon 4 that results in an amino acid change, p.Ala107Val. This sequence change does not appear to have been previously described in individuals with RBBP6-related disorders. This sequence change has been described in the gnomAD database with a frequency of 0.002% in the overall population (dbSNP rs368643832). The p.Ala107Val change affects a highly conserved amino acid residue located in a domain of the RBBP6 protein that is not known to be functional. In-silico pathogenicity prediction tools (SIFT, PolyPhen2, Align GVGD, REVEL) provide contradictory results for the p.Ala107Val substitution. Due to insufficient evidences and the lack of functional studies, the clinical significance of the p.Ala107Val change remains unknown at this time.